The following is an entry in ClinVar:

NM_000891.3(KCNJ2):c.161G>A (p.Cys54Tyr)

Gene: KCNJ2 (potassium inwardly rectifying channel subfamily J member 2; plus strand). Cytogenetic location: 17q24.3.
Variant type: single nucleotide variant.
Coding change: c.161G>A on transcript NM_000891.3 (MANE Select); coding-DNA position 161, G replaced by A.
Protein change: p.Cys54Tyr; replaces cysteine 54 with tyrosine.
Molecular consequence: missense variant.
Genome position (GRCh38, 1-based): chr17:70,175,200, G>A. VCF-style: chr17-70175200-G-A. GRCh37 (hg19) VCF-style: chr17-68171341-G-A.
Other names: short protein forms C54Y.
Identifiers: ClinVar variation 4090489 (VCV004090489.1).

ClinVar aggregate classification (germline): Uncertain significance (1 of 4 stars; one submission).

Conditions:
Cardiovascular phenotype. Identifiers: MedGen CN230736.

Submission:

Ambry Genetics
Classification: Uncertain significance for Cardiovascular phenotype. Last evaluated: 2025-06-24. Review status: criteria provided, single submitter. Criteria: Ambry Variant Classification Scheme 2023. Collection method: clinical testing. Allele origin: germline.
Comment: The p.C54Y variant (also known as c.161G>A), located in coding exon 1 of the KCNJ2 gene, results from a G to A substitution at nucleotide position 161. The cysteine at codon 54 is replaced by tyrosine, an amino acid with highly dissimilar properties. This amino acid position is highly conserved in available vertebrate species. In addition, this alteration is predicted to be deleterious by in silico analysis. Based on the available evidence, the clinical significance of this variant remains unclear.